The following is an entry in ClinVar:

NM_000238.4(KCNH2):c.1681G>A (p.Ala561Thr)

Gene: KCNH2 (potassium voltage-gated channel subfamily H member 2; minus strand). Cytogenetic location: 7q36.1.
Variant type: single nucleotide variant.
Coding change: c.1681G>A on transcript NM_000238.4 (MANE Select); coding-DNA position 1681, G replaced by A.
Protein change: p.Ala561Thr; replaces alanine 561 with threonine.
Molecular consequence: missense variant.
Genome position (GRCh38, 1-based): chr7:150,951,712, C>T on the plus strand (G>A on the coding strand, the complement: KCNH2 is on the minus strand). VCF-style: chr7-150951712-C-T. GRCh37 (hg19) VCF-style: chr7-150648800-C-T.
Other names: p.A561T:GCG>ACG; c.1681G>A (LRG_288t1); c.661G>A, p.Ala221Thr (NM_001204798.2, NM_172057.3); c.1393G>A, p.Ala465Thr (NM_001406753.1, NM_001406756.1); c.1504G>A, p.Ala502Thr (NM_001406755.1); c.1381G>A, p.Ala461Thr (NM_001406757.1); c.1681G>A, p.Ala561Thr (NM_172056.3); short protein forms A221T, A561T, A461T, A502T, A465T.
Identifiers: ClinVar variation 67229 (VCV000067229.21), dbSNP rs199472921, ClinGen allele CA005019.

ClinVar aggregate classification (germline): Pathogenic. Review status: criteria provided, multiple submitters, no conflicts (2 of 4 stars). 5 submissions from 5 submitters: Pathogenic (4). 1 of the submissions does not count toward it. Last evaluated 2025-04-11.

Conditions:
Cardiovascular phenotype. Identifiers: MedGen CN230736.
Familial long QT syndrome (RWS). Also called: Congenital long QT syndrome; Romano-Ward syndrome; VENTRICULAR FIBRILLATION WITH PROLONGED QT INTERVAL. Identifiers: Orphanet 768, MedGen C1141890, MONDO:0019171.
Long QT syndrome (LQTS). Identifiers: MedGen C0023976, MeSH D008133, MONDO:0002442. Disease mechanism: loss of function. Inheritance: Various modes of inheritance.

Submissions (5):

Labcorp Genetics (formerly Invitae), Labcorp
Classification: Pathogenic for Long QT syndrome. Last evaluated: 2025-04-11. Review status: criteria provided, single submitter. Criteria: Invitae Variant Classification Sherloc (09022015). Collection method: clinical testing. Allele origin: germline.
Comment: This sequence change replaces alanine, which is neutral and non-polar, with threonine, which is neutral and polar, at codon 561 of the KCNH2 protein (p.Ala561Thr). This variant is not present in population databases (gnomAD no frequency). This missense change has been observed in individuals with clinical features of long QT syndrome and congestive heart failure (PMID: 8877771, 10973849, 28855170). It has also been observed to segregate with disease in related individuals. ClinVar contains an entry for this variant (Variation ID: 67229). An algorithm developed to predict the effect of missense changes on protein structure and function (PolyPhen-2) suggests that this variant is likely to be disruptive. Experimental studies have shown that this missense change affects KCNH2 function (PMID: 16432067, 23303164, 23470493). This variant disrupts the p.Ala561 amino acid residue in KCNH2. Other variant(s) that disrupt this residue have been determined to be pathogenic (PMID: 7889573, 10753933, 12354768, 16432067, 18593567, 22949429, 24606995, 24623279). This suggests that this residue is clinically significant, and that variants that disrupt this residue are likely to be disease-causing. For these reasons, this variant has been classified as Pathogenic.

Ambry Genetics
Classification: Pathogenic for Cardiovascular phenotype. Last evaluated: 2024-12-17. Review status: criteria provided, single submitter. Criteria: Ambry Variant Classification Scheme 2023. Collection method: clinical testing. Allele origin: germline.
Comment: The p.A561T pathogenic mutation (also known as c.1681G>A), located in coding exon 7 of the KCNH2 gene, results from a G to A substitution at nucleotide position 1681. The alanine at codon 561 is replaced by threonine, an amino acid with similar properties, and is located in the S5 transmembrane domain. This mutation has been reported in numerous unrelated individuals with long-QT syndrome (LQTS) and was shown to segregate with disease in a family (Dausse E et al. J Mol Cell Cardiol. 1996;28(8):1609-15; Splawski I et al. Circulation. 2000;102(10):1178-85; Kapplinger JD et al. Heart Rhythm. 2009;6(9):1297-303; Matsa E et al. Eur Heart J. 2011;32(8):952-62). Functional assays have demonstrated that the mutation has a dominant negative effect on protein localization and function (Bellocq C et al. Mol Pharmacol. 2004;66(5):1093-102; Chugh SS et al. J Am Coll Cardiol. 2004;43(9):1625-9; Anderson CL et al. Circulation. 2006;113(3):365-73; Mehta A et al. Cardiovasc Res. 2014; 102(3):497-506). In addition, allele-specific knockdown of the mutant allele was able to rescue cardiomyocytes derived from a LQTS patient who was heterozygous for the p.A561T mutation (Matsa E et al. Eur Heart J. 2014;35(16):1078-87). This variant is considered to be rare based on population cohorts in the Genome Aggregation Database (gnomAD). In addition, this alteration is predicted to be deleterious by in silico analysis. Based on the supporting evidence, this alteration is interpreted as a disease-causing mutation.

Mayo Clinic Laboratories, Mayo Clinic
Classification: Pathogenic. Last evaluated: 2024-11-20. Review status: criteria provided, single submitter. Criteria: ACMG Guidelines, 2015. Collection method: clinical testing. Allele origin: germline. Observed: 1 variant allele.
Comment: PP1_moderate, PP2, PP3_strong, PM5, PS3, PS4

GeneDx
Classification: Pathogenic. Last evaluated: 2024-04-22. Review status: criteria provided, single submitter. Criteria: GeneDx Variant Classification Process June 2021. Collection method: clinical testing. Allele origin: germline. Affected: yes.
Comment: This variant has also been reported in the heterozgyous and homozygous state in individuals with sudden cardiac death (PMID: 15120823); Published functional studies demonstrate that the p.(A561T) mutant channel expressed in human embryonic kidney cells failed to generate HERG current and causes defective trafficking of the KCNH2 protein to the plasma membrane (PMID: 23303164, 15120823); In silico analysis supports that this missense variant has a deleterious effect on protein structure/function; This variant is associated with the following publications: (PMID: 28883014, 16432067, 26669661, 27761161, 18441445, 23470493, 8877771, 16379539, 28855170, 10973849, 20197117, 15828882, 10220144, 11222472, 11854117, 15280442, 19716085, 16253912, 27251404, 18808722, 21367833, 32383558, 32600061, 34546463, 31557540, 23303164, 15840476, 15120823)

Cardiovascular Biomedical Research Unit, Royal Brompton & Harefield NHS Foundation Trust
No classification provided. Condition: Familial long QT syndrome. Review status: no classification provided. Collection method: literature only. Allele origin: germline. Not counted in ClinVar's aggregate classification.
Comment: This variant has been reported as associated with Long QT syndrome in the following publications (PMID:8877771;PMID:10973849;PMID:11222472;PMID:11854117;PMID:15120823;PMID:15840476;PMID:16379539;PMID:16432067;PMID:18441445;PMID:19716085). This is a literature report, and does not necessarily reflect the clinical interpretation of the Imperial College / Royal Brompton Cardiovascular Genetics laboratory.

Literature cited by the submitters: PubMed 8877771 (cited by 4 submitters); PubMed 10973849 (cited by 4 submitters); PubMed 28855170 (cited by 3 submitters); PubMed 16432067 (cited by 4 submitters); PubMed 23303164 (cited by Labcorp Genetics (formerly Invitae), Labcorp and Mayo Clinic Laboratories, Mayo Clinic); PubMed 23470493 (cited by 3 submitters); PubMed 7889573 (cited by Labcorp Genetics (formerly Invitae), Labcorp and Ambry Genetics); PubMed 10753933 (cited by Labcorp Genetics (formerly Invitae), Labcorp); PubMed 12354768 (cited by Labcorp Genetics (formerly Invitae), Labcorp); PubMed 18593567 (cited by Labcorp Genetics (formerly Invitae), Labcorp); PubMed 22949429 (cited by Labcorp Genetics (formerly Invitae), Labcorp); PubMed 24606995 (cited by Labcorp Genetics (formerly Invitae), Labcorp); PubMed 24623279 (cited by Labcorp Genetics (formerly Invitae), Labcorp and Ambry Genetics); PubMed 11222472 (cited by Ambry Genetics and Cardiovascular Biomedical Research Unit, Royal Brompton & Harefield NHS Foundation Trust); PubMed 11854117 (cited by 3 submitters); PubMed 15120823 (cited by 3 submitters); PubMed 15280442 (cited by Ambry Genetics); PubMed 15840476 (cited by 3 submitters); PubMed 16253912 (cited by Ambry Genetics); PubMed 16379539 (cited by 3 submitters); PubMed 18441445 (cited by 3 submitters); PubMed 18808722 (cited by Ambry Genetics); PubMed 19716085 (cited by Ambry Genetics and Cardiovascular Biomedical Research Unit, Royal Brompton & Harefield NHS Foundation Trust); PubMed 20197117 (cited by Ambry Genetics); PubMed 21367833 (cited by Ambry Genetics); PubMed 26669661 (cited by Ambry Genetics and Mayo Clinic Laboratories, Mayo Clinic); PubMed 27251404 (cited by Ambry Genetics); PubMed 31557540 (cited by Mayo Clinic Laboratories, Mayo Clinic); PubMed 32383558 (cited by Mayo Clinic Laboratories, Mayo Clinic); PubMed 34546463 (cited by Mayo Clinic Laboratories, Mayo Clinic); PubMed 22581653 (cited by Cardiovascular Biomedical Research Unit, Royal Brompton & Harefield NHS Foundation Trust).